The following is an entry in ClinVar:

ClinVar aggregate classification (germline): Uncertain significance (1 of 4 stars; one submission).

Conditions:
Cardiovascular phenotype. Identifiers: MedGen CN230736.

Submission:

Ambry Genetics
Classification: Uncertain significance for Cardiovascular phenotype. Last evaluated: 2026-03-12. Review status: criteria provided, single submitter. Criteria: Ambry Variant Classification Scheme 2023. Collection method: clinical testing. Allele origin: germline.
Comment: The p.D1209G variant (also known as c.3626A>G), located in coding exon 21 of the FLNC gene, results from an A to G substitution at nucleotide position 3626. The aspartic acid at codon 1209 is replaced by glycine, an amino acid with similar properties. This amino acid position is conserved. In addition, this alteration is predicted to be deleterious by in silico analysis. Based on the available evidence, the clinical significance of this variant remains unclear.

NM_001458.5(FLNC):c.3626A>G (p.Asp1209Gly)

Gene: FLNC (filamin C; plus strand). Cytogenetic location: 7q32.1.
Variant type: single nucleotide variant.
Coding change: c.3626A>G on transcript NM_001458.5 (MANE Select); coding-DNA position 3626, A replaced by G.
Protein change: p.Asp1209Gly; replaces aspartic acid 1209 with glycine.
Molecular consequence: missense variant.
Genome position (GRCh38, 1-based): chr7:128,845,091, A>G. VCF-style: chr7-128845091-A-G. GRCh37 (hg19) VCF-style: chr7-128485145-A-G.
Other names: c.3626A>G, p.Asp1209Gly (NM_001127487.2); short protein forms D1209G.
Identifiers: ClinVar variation 4826690 (VCV004826690.1).
Genomic context (GRCh38, chr7:128,845,091, plus strand): 5'-CCATTGAGATCCTGTCGGATGCCGGGGTCAAGGCCGAGGTGCTGATCCACAACAACGCGG[A>G]TGGCACCTACCACATCACCTACAGCCCTGCCTTCCCTGGCACCTACACCATTACCATCAA-3'
Protein context (NP_001449.3, residues 1199-1219): KAEVLIHNNA[Asp1209Gly]GTYHITYSPA